The following is an entry in ClinVar:

NM_002473.6(MYH9):c.721A>G (p.Ile241Val)

Gene: MYH9 (myosin heavy chain 9; minus strand). Cytogenetic location: 22q12.3.
Variant type: single nucleotide variant.
Coding change: c.721A>G on transcript NM_002473.6 (MANE Select); coding-DNA position 721, A replaced by G.
Protein change: p.Ile241Val; replaces isoleucine 241 with valine.
Molecular consequence: missense variant.
Genome position (GRCh38, 1-based): chr22:36,321,806, T>C on the plus strand (A>G on the coding strand, the complement: MYH9 is on the minus strand). VCF-style: chr22-36321806-T-C. GRCh37 (hg19) VCF-style: chr22-36717851-T-C.
Other names: short protein forms I241V.
Identifiers: ClinVar variation 2184349 (VCV002184349.8), dbSNP rs142891887, ClinGen allele CA10210482.

ClinVar aggregate classification (germline): Likely benign. Review status: criteria provided, multiple submitters, no conflicts (2 of 4 stars). 4 submissions from 4 submitters: Likely benign (4). Last evaluated 2026-06-01.

Conditions:
MYH9-related disorder. Identifiers: MedGen C1854520.

Allele frequency attached by ClinVar (database versions not stated): gnomAD 0.00001; TOPMed 0.00006; gnomAD exomes 0.00010; ExAC 0.00020; 1000 Genomes Project 0.00040; 1000 Genomes Project 30x 0.00047.
gnomAD v4.1: 60 of 1,614,166 alleles (0.0037%); highest among the groups gnomAD compares: Admixed American, 0.098%; no homozygotes.

Submissions (4):

CeGaT Center for Human Genetics Tuebingen
Classification: Likely benign. Last evaluated: 2026-06-01. Review status: criteria provided, single submitter. Criteria: CeGaT Center For Human Genetics Tuebingen Variant Classification Criteria Version 2. Collection method: clinical testing. Allele origin: germline. Affected: yes. Observed: 1 variant allele.
Comment: MYH9: BS2

Women's Health and Genetics/Laboratory Corporation of America, LabCorp
Classification: Likely benign. Last evaluated: 2025-12-15. Review status: criteria provided, single submitter. Criteria: LabCorp Variant Classification Summary - May 2015. Collection method: clinical testing. Allele origin: germline.
Comment: Variant summary: MYH9 c.721A>G (p.Ile241Val) results in a conservative amino acid change in the encoded protein sequence. Algorithms developed to predict the effect of missense changes on protein structure and function are either unavailable or do not agree on the potential impact of this missense change. The variant allele was found at a frequency of 0.00021 in 251486 control chromosomes, predominantly at a frequency of 0.0015 within the Latino subpopulation in the gnomAD database. The observed variant frequency within Latino control individuals in the gnomAD database exceeds the estimated maximal expected allele frequency for disease-causing variants in MYH9. To our knowledge, no occurrence of c.721A>G in individuals affected with MYH9-related conditions and no experimental evidence demonstrating its impact on protein function have been reported. ClinVar contains an entry for this variant (Variation ID: 2184349). Based on the evidence outlined above, the variant was classified as likely benign.

PreventionGenetics, part of Exact Sciences
Classification: Likely benign for MYH9-related condition. Last evaluated: 2025-07-31. Review status: criteria provided, single submitter. Criteria: ACMG Guidelines, 2015. Collection method: clinical testing. Allele origin: germline.
Comment: This variant is classified as likely benign based on ACMG/AMP sequence variant interpretation guidelines (Richards et al. 2015 PMID: 25741868, with internal and published modifications).

Labcorp Genetics (formerly Invitae), Labcorp
Classification: Likely benign. Last evaluated: 2024-10-02. Review status: criteria provided, single submitter. Criteria: Invitae Variant Classification Sherloc (09022015). Collection method: clinical testing. Allele origin: germline.